The following is an entry in ClinVar:

ClinVar aggregate classification (germline): Uncertain significance (1 of 4 stars; one submission).

Conditions:
Congenital myasthenic syndrome 8. Also called: Myasthenic syndrome, congenital, 8, with pre- and postsynaptic defects; MYASTHENIC SYNDROME, CONGENITAL, DUE TO AGRIN DEFICIENCY. Identifiers: Orphanet 590, MedGen C3808739, MONDO:0014052, OMIM 615120.

Allele frequency attached by ClinVar (database versions not stated): gnomAD exomes below 0.00001 and 0.00001; ExAC 0.00001; gnomAD 0.00001.

Submission:

Labcorp Genetics (formerly Invitae), Labcorp
Classification: Uncertain significance for Congenital myasthenic syndrome 8. Last evaluated: 2025-06-16. Review status: criteria provided, single submitter. Criteria: Invitae Variant Classification Sherloc (09022015). Collection method: clinical testing. Allele origin: germline.
Comment: This sequence change replaces serine, which is neutral and polar, with asparagine, which is neutral and polar, at codon 1029 of the AGRN protein (p.Ser1029Asn). The frequency data for this variant in the population databases is considered unreliable, as metrics indicate poor data quality at this position in the gnomAD database. This variant has not been reported in the literature in individuals affected with AGRN-related conditions. ClinVar contains an entry for this variant (Variation ID: 1046227). An algorithm developed to predict the effect of missense changes on protein structure and function (PolyPhen-2) suggests that this variant is likely to be tolerated. In summary, the available evidence is currently insufficient to determine the role of this variant in disease. Therefore, it has been classified as a Variant of Uncertain Significance.

NM_198576.4(AGRN):c.3086G>A (p.Ser1029Asn)

Gene: AGRN (agrin; plus strand). Cytogenetic location: 1p36.33.
Variant type: single nucleotide variant.
Coding change: c.3086G>A on transcript NM_198576.4 (MANE Select); coding-DNA position 3086, G replaced by A.
Protein change: p.Ser1029Asn; replaces serine 1029 with asparagine.
Molecular consequence: missense variant.
Genome position (GRCh38, 1-based): chr1:1,046,571, G>A. VCF-style: chr1-1046571-G-A. GRCh37 (hg19) VCF-style: chr1-981951-G-A.
Other names: c.3086G>A, p.Ser1029Asn (NM_001305275.2); c.2771G>A, p.Ser924Asn (NM_001364727.2); short protein forms S924N, S1029N.
Identifiers: ClinVar variation 1046227 (VCV001046227.8), dbSNP rs761318596, ClinGen allele CA508945.